The following is an entry in ClinVar:

NM_016341.4(PLCE1):c.4269A>C (p.Glu1423Asp)

Gene: PLCE1 (phospholipase C epsilon 1; plus strand). Cytogenetic location: 10q23.33.
Variant type: single nucleotide variant.
Coding change: c.4269A>C on transcript NM_016341.4 (MANE Select); coding-DNA position 4269, A replaced by C.
Protein change: p.Glu1423Asp; replaces glutamic acid 1423 with aspartic acid.
Molecular consequence: missense variant.
Genome position (GRCh38, 1-based): chr10:94,265,946, A>C. VCF-style: chr10-94265946-A-C. GRCh37 (hg19) VCF-style: chr10-96025703-A-C.
Other names: c.3345A>C, p.Glu1115Asp (NM_001165979.2); c.4221A>C, p.Glu1407Asp (NM_001288989.2); short protein forms E1115D, E1407D, E1423D.
Identifiers: ClinVar variation 1029439 (VCV001029439.1), dbSNP rs2051499855, ClinGen allele CA377647452.

ClinVar aggregate classification (germline): Uncertain significance (1 of 4 stars; one submission).

Conditions:
Nephrotic syndrome, type 3 (NPHS3). Also called: NEPHROTIC SYNDROME, EARLY-ONSET, TYPE 3. Identifiers: Orphanet 656, MedGen C1853124, MONDO:0012546, OMIM 610725.

Submission:

Baylor Genetics
Classification: Uncertain significance for Nephrotic syndrome, type 3. Last evaluated: 2019-11-15. Review status: criteria provided, single submitter. Criteria: ACMG Guidelines, 2015. Collection method: clinical testing. Allele origin: unknown. Affected: yes.
Comment: This variant was determined to be of uncertain significance according to ACMG Guidelines, 2015 [PMID:25741868].